The following is an entry in ClinVar:

ClinVar aggregate classification (germline): Likely benign. Review status: criteria provided, multiple submitters, no conflicts (2 of 4 stars). 2 submissions from 2 submitters: Likely benign (2). Last evaluated 2026-03-01.

Allele frequency attached by ClinVar (database versions not stated): gnomAD 0.00004 and 0.00005; gnomAD exomes 0.00004 and 0.00009; TOPMed 0.00005; ExAC 0.00007; 1000 Genomes Project 30x 0.00016; 1000 Genomes Project 0.00020.
gnomAD v4.1: 69 of 1,614,076 alleles (0.0043%); highest among the groups gnomAD compares: South Asian, 0.038%; 1 homozygote.

Submissions (2):

CeGaT Center for Human Genetics Tuebingen
Classification: Likely benign. Last evaluated: 2026-03-01. Review status: criteria provided, single submitter. Criteria: CeGaT Center For Human Genetics Tuebingen Variant Classification Criteria Version 2. Collection method: clinical testing. Allele origin: germline. Affected: yes. Observed: 1 variant allele.
Comment: CIT: BP4, BP7

Genetic Services Laboratory, University of Chicago
Classification: Likely benign. Last evaluated: 2018-10-12. Review status: criteria provided, single submitter. Criteria: ACMG Guidelines, 2015. Collection method: clinical testing. Allele origin: germline. Affected: no.

NM_001206999.2(CIT):c.357C>T (p.Thr119=)

Gene: CIT (citron rho-interacting serine/threonine kinase; minus strand). Cytogenetic location: 12q24.23.
Variant type: single nucleotide variant.
Coding change: c.357C>T on transcript NM_001206999.2 (MANE Select); coding-DNA position 357, C replaced by T.
Protein change: p.Thr119=; no amino-acid change (threonine 119 retained).
Molecular consequence: synonymous variant.
Genome position (GRCh38, 1-based): chr12:119,857,580, G>A on the plus strand (C>T on the coding strand, the complement: CIT is on the minus strand). VCF-style: chr12-119857580-G-A. GRCh37 (hg19) VCF-style: chr12-120295384-G-A.
Other names: c.357C>T, p.Thr119= (NM_007174.3).
Identifiers: ClinVar variation 1336890 (VCV001336890.8), dbSNP rs529331889, ClinGen allele CA6822448.